The following is an entry in ClinVar:

ClinVar aggregate classification (germline): Uncertain significance (1 of 4 stars; one submission).

Submission:

Labcorp Genetics (formerly Invitae), Labcorp
Classification: Uncertain significance. Last evaluated: 2025-07-27. Review status: criteria provided, single submitter. Criteria: Invitae Variant Classification Sherloc (09022015). Collection method: clinical testing. Allele origin: germline.
Comment: This sequence change replaces glutamine, which is neutral and polar, with arginine, which is basic and polar, at codon 300 of the RAI1 protein (p.Gln300Arg). This variant is not present in population databases (gnomAD no frequency). This variant has not been reported in the literature in individuals affected with RAI1-related conditions. Invitae Evidence Modeling of protein sequence and biophysical properties (such as structural, functional, and spatial information, amino acid conservation, physicochemical variation, residue mobility, and thermodynamic stability) indicates that this missense variant is expected to disrupt RAI1 protein function with a positive predictive value of 80%. In summary, the available evidence is currently insufficient to determine the role of this variant in disease. Therefore, it has been classified as a Variant of Uncertain Significance.

NM_030665.4(RAI1):c.899A>G (p.Gln300Arg)

Gene: RAI1 (retinoic acid induced 1; plus strand). Cytogenetic location: 17p11.2.
Variant type: single nucleotide variant.
Coding change: c.899A>G on transcript NM_030665.4 (MANE Select); coding-DNA position 899, A replaced by G.
Protein change: p.Gln300Arg; replaces glutamine 300 with arginine.
Molecular consequence: missense variant.
Genome position (GRCh38, 1-based): chr17:17,793,847, A>G. VCF-style: chr17-17793847-A-G. GRCh37 (hg19) VCF-style: chr17-17697161-A-G.
Other names: short protein forms Q300R.
Identifiers: ClinVar variation 4741247 (VCV004741247.1).